The following is an entry in ClinVar:

ClinVar aggregate classification (germline): Conflicting classifications of pathogenicity. Review status: criteria provided, conflicting classifications (1 of 4 stars). 9 submissions from 9 submitters: Uncertain significance (2); Benign (1); Likely benign (6). Last evaluated 2026-01-26.

Conditions:
LAMA2-related muscular dystrophy (LAMA2-RD). Also called: Laminin alpha 2-related dystrophy. Identifiers: MedGen C5679788, MONDO:0100228.
Congenital muscular dystrophy due to partial LAMA2 deficiency. Identifiers: MedGen C1842898.

Allele frequency attached by ClinVar (database versions not stated): gnomAD 0.00258 and 0.00279; ESP Exome Variant Server 0.00261; TOPMed 0.00272; 1000 Genomes Project 30x 0.00328; gnomAD exomes 0.00022 and 0.00059; ExAC 0.00071; 1000 Genomes Project 0.00240.
gnomAD v4.1: 716 of 1,613,984 alleles (0.044%); highest among the groups gnomAD compares: African/African-American, 0.86%; 3 homozygotes.

Submissions (9):

Labcorp Genetics (formerly Invitae), Labcorp
Classification: Likely benign for LAMA2-related muscular dystrophy. Last evaluated: 2026-01-26. Review status: criteria provided, single submitter. Criteria: Invitae Variant Classification Sherloc (09022015). Collection method: clinical testing. Allele origin: germline.

Mayo Clinic Laboratories, Mayo Clinic
Classification: Likely benign. Last evaluated: 2025-04-09. Review status: criteria provided, single submitter. Criteria: ACMG Guidelines, 2015. Collection method: clinical testing. Allele origin: germline. Observed: 3 variant alleles.
Comment: BS1, BP4_moderate

CeGaT Center for Human Genetics Tuebingen
Classification: Likely benign. Last evaluated: 2025-03-01. Review status: criteria provided, single submitter. Criteria: CeGaT Center For Human Genetics Tuebingen Variant Classification Criteria Version 2. Collection method: clinical testing. Allele origin: germline. Affected: yes. Observed: 2 variant alleles.
Comment: LAMA2: BP4, BS1

Athena Diagnostics
Classification: Likely benign. Last evaluated: 2025-02-21. Review status: criteria provided, single submitter. Criteria: Athena Diagnostics Criteria. Collection method: clinical testing. Allele origin: unknown.
Comment: The frequency of this variant in the general population is higher than would generally be expected for pathogenic variants in this gene. Computational tools predict this amino acid change may be benign.

Blueprint Genetics
Classification: Likely benign. Last evaluated: 2024-06-10. Review status: criteria provided, single submitter. Criteria: ACMG Guidelines, 2015. Collection method: clinical testing. Allele origin: germline.

GeneDx
Classification: Likely benign. Last evaluated: 2021-02-11. Review status: criteria provided, single submitter. Criteria: GeneDx Variant Classification Process June 2021. Collection method: clinical testing. Allele origin: germline. Affected: yes.

Illumina Laboratory Services, Illumina
Classification: Uncertain significance for Congenital muscular dystrophy due to partial LAMA2 deficiency. Last evaluated: 2018-01-12. Review status: criteria provided, single submitter. Criteria: ICSL Variant Classification Criteria 13 December 2019. Collection method: clinical testing. Allele origin: germline.

Genetic Services Laboratory, University of Chicago
Classification: Uncertain significance. Last evaluated: 2015-08-13. Review status: criteria provided, single submitter. Criteria: ACMG Guidelines, 2015. Collection method: clinical testing. Allele origin: germline. Affected: no.

Eurofins Ntd Llc (ga)
Classification: Benign. Last evaluated: 2013-03-11. Review status: criteria provided, single submitter. Criteria: EGL Classification Definitions 2015. Collection method: clinical testing. Allele origin: germline. Observed: 1 variant allele, 1 heterozygote.

NM_000426.4(LAMA2):c.5633C>T (p.Ser1878Phe)

Gene: LAMA2 (laminin subunit alpha 2; plus strand). Cytogenetic location: 6q22.33.
Variant type: single nucleotide variant.
Coding change: c.5633C>T on transcript NM_000426.4 (MANE Select); coding-DNA position 5633, C replaced by T.
Protein change: p.Ser1878Phe; replaces serine 1878 with phenylalanine.
Molecular consequence: missense variant.
Genome position (GRCh38, 1-based): chr6:129,402,394, C>T. VCF-style: chr6-129402394-C-T. GRCh37 (hg19) VCF-style: chr6-129723539-C-T.
Other names: c.5633C>T, p.Ser1878Phe (NM_001079823.2); short protein forms S1878F.
Identifiers: ClinVar variation 92969 (VCV000092969.57), dbSNP rs139586720, ClinGen allele CA146142.